The following is an entry in ClinVar:

ClinVar aggregate classification (germline): Likely benign (1 of 4 stars; one submission).

Allele frequency attached by ClinVar (database versions not stated): gnomAD 0.00233; ExAC 0.00619.

Submissions (8):

CeGaT Center for Human Genetics Tuebingen
Classification: Likely benign. Last evaluated: 2023-08-01. Review status: criteria provided, single submitter. Criteria: CeGaT Center For Human Genetics Tuebingen Variant Classification Criteria Version 2. Collection method: clinical testing. Allele origin: germline. Affected: yes. Observed: 1 variant allele.
Comment: MUC4: BS2

Dr. Peter K. Rogan Lab, Western University
No classification provided (evidence only). Condition: Clear cell carcinoma of kidney. Review status: no classification provided. Collection method: in vitro. Allele origin: not applicable. Functional consequence: retained intron. Not counted in ClinVar's aggregate classification.

Dr. Peter K. Rogan Lab, Western University
No classification provided (evidence only). Condition: Clear cell carcinoma of kidney. Review status: no classification provided. Collection method: in vitro. Allele origin: not applicable. Functional consequence: retained intron. Not counted in ClinVar's aggregate classification.

Dr. Peter K. Rogan Lab, Western University
No classification provided (evidence only). Condition: Cholangiocarcinoma. Review status: no classification provided. Collection method: in vitro. Allele origin: not applicable. Functional consequence: retained intron. Not counted in ClinVar's aggregate classification.

Dr. Peter K. Rogan Lab, Western University
No classification provided (evidence only). Condition: Cholangiocarcinoma. Review status: no classification provided. Collection method: in vitro. Allele origin: not applicable. Functional consequence: retained intron. Not counted in ClinVar's aggregate classification.

Dr. Peter K. Rogan Lab, Western University
No classification provided (evidence only). Condition: Cholangiocarcinoma. Review status: no classification provided. Collection method: in vitro. Allele origin: not applicable. Functional consequence: retained intron. Not counted in ClinVar's aggregate classification.

Dr. Peter K. Rogan Lab, Western University
No classification provided (evidence only). Condition: Cholangiocarcinoma. Review status: no classification provided. Collection method: in vitro. Allele origin: not applicable. Functional consequence: retained intron. Not counted in ClinVar's aggregate classification.

Dr. Peter K. Rogan Lab, Western University
No classification provided (evidence only). Condition: Ovarian serous cystadenocarcinoma. Review status: no classification provided. Collection method: in vitro. Allele origin: not applicable. Functional consequence: skipped exon, retained intron. Not counted in ClinVar's aggregate classification.

NM_018406.7(MUC4):c.8318A>G (p.Asn2773Ser)

Gene: MUC4 (mucin 4, cell surface associated). Cytogenetic location: 3q29.
Variant type: single nucleotide variant.
Coding change: c.8318A>G on transcript NM_018406.7 (MANE Select); coding-DNA position 8318, A replaced by G.
Protein change: p.Asn2773Ser; replaces asparagine 2773 with serine.
Molecular consequence: missense variant, splice donor variant. On other transcripts: genic upstream transcript variant (2).
Genome position (GRCh38, 1-based): chr3:195,783,262, T>C on the plus strand (A>G on the coding strand, the complement: MUC4 is on the minus strand). VCF-style: chr3-195783262-T-C. GRCh37 (hg19) VCF-style: chr3-195510133-T-C.
Other names: NC_000003.11:g.195510133T>C; c.12125A>G, p.Asn4042Ser (NM_001322468.1); c.83-8957A>G (NM_138297.5); c.83-4807A>G (NM_004532.6); short protein forms N2773S, N4042S.
Identifiers: ClinVar variation 2654447 (VCV002654447.25), dbSNP rs200430309, ClinGen allele CA2771647.